The following is an entry in ClinVar:

ClinVar aggregate classification (germline): Pathogenic/Likely pathogenic. Review status: criteria provided, multiple submitters, no conflicts (2 of 4 stars). 23 submissions from 23 submitters: Pathogenic (16); Likely pathogenic (1). 6 of the submissions do not count toward it. Last evaluated 2026-05-07.

Conditions:
Choroidal dystrophy, central areolar, 1. Identifiers: Orphanet 75377, MedGen C4551884, MONDO:0024539, OMIM 215500.
GUCY2D-related disorders.
GUCY2D-related disorder. Also called: GUCY2D-related condition.
Retinal dystrophy. Also called: Inherited retinal dystrophy. Identifiers: Orphanet 71862, MedGen C0854723, MeSH D058499, MONDO:0019118, HP:0000556.
Cone-rod dystrophy 6 (CORD6). Also called: Cone dystrophy progressive; RETINAL CONE DYSTROPHY 2. Identifiers: Orphanet 1872, MedGen C1866293, MONDO:0011143, OMIM 601777.
Leber congenital amaurosis 1 (LCA1). Also called: AMAUROSIS CONGENITA OF LEBER I; RETINAL BLINDNESS, CONGENITAL; Congenital absence of the rods and cones; Leber's congenital tapetoretinal degeneration; Leber's congenital tapetoretinal dysplasia. Identifiers: Orphanet 65, MedGen C2931258, MONDO:0008764, OMIM 204000.
Cone dystrophy. Identifiers: Orphanet 1871, MedGen C0730290, MONDO:0000455.
Retinal disorder. Also called: Retinopathies; Retinal Diseases; Retinal disorders; Retinopathy. Identifiers: MedGen C0035309, MONDO:0005283, HP:0000488.

Allele frequency attached by ClinVar (database versions not stated): gnomAD exomes below 0.00001; TOPMed below 0.00001; gnomAD 0.00001.

Submissions 1 to 10 of 23:

PreventionGenetics, part of Exact Sciences
Classification: Pathogenic for GUCY2D-related condition. Last evaluated: 2026-05-07. Review status: criteria provided, single submitter. Criteria: ACMG Guidelines, 2015. Collection method: clinical testing. Allele origin: germline.
Comment: The GUCY2D c.2512C>T variant is predicted to result in the amino acid substitution p.Arg838Cys. This variant has been reported many times in individuals with autosomal dominant cone-rod dystrophy (see for examples: Kelsell et al. 1998. PubMed ID: 9618177; Udar et al. 2003. PubMed ID: 12552567; Table S1, Birtel et al. 2018. PubMed ID: 29555955; Table S1, Lin et al. 2024. PubMed ID: 38219857). Many alternate substitutions of this amino acid residue (p.Arg838His, p.Arg838Ser, p.Arg838Gly, p.Arg838Pro) have also been reported in individuals with autosomal dominant cone-rod dystrophy (Payne et al. 2001. PubMed ID: 11565546; Kitiratschky et al. 2008. PubMed ID: 18487367; Table S4, Panneman et al. 2023. PubMed ID: 36819107). This variant is present in 0.0040% of alleles in individuals of European (Finnish) descent in gnomAD. This variant is interpreted as pathogenic for autosomal dominant disease.

Genetics Laboratory, Great Ormond Street Hospital NHS Foundation Trust, North Thames Genomic Laboratory Hub
Classification: Pathogenic for Retinal disorders. Last evaluated: 2026-02-25. Review status: criteria provided, single submitter. Criteria: ACGS Best Practice Guidelines for Variant Classification in Rare Disease 2024 v1.2. Collection method: clinical testing. Allele origin: germline. Affected: yes.
Comment: PS4_moderate, PM2_moderate, PP3_supporting, PM5_moderate, PS3_supporting, PP1_strong

Research Institute for Ophthalmology and Vision Science, Shahid Beheshti University of Medical Sciences
Classification: Pathogenic for Cone dystrophy. Last evaluated: 2025-12-07. Review status: criteria provided, single submitter. Criteria: ACMG Guidelines, 2015. Collection method: research. Allele origin: inherited. Inheritance: Autosomal dominant inheritance. Affected: yes.
Comment: This variant has been identified in multiple affected offspring within the family and is inherited from their affected father. Based on ACMG guideline, the variant meets the criteria for classification as pathogenic.

Labcorp Genetics (formerly Invitae), Labcorp
Classification: Pathogenic for Leber congenital amaurosis 1; Cone-rod dystrophy 6. Last evaluated: 2025-12-02. Review status: criteria provided, single submitter. Criteria: Invitae Variant Classification Sherloc (09022015). Collection method: clinical testing. Allele origin: germline.
Comment: This sequence change replaces arginine, which is basic and polar, with cysteine, which is neutral and slightly polar, at codon 838 of the GUCY2D protein (p.Arg838Cys). This variant is present in population databases (rs61750172, gnomAD 0.004%). This missense change has been observed in individuals with autosomal dominant cone-rod dystrophy (PMID: 9618177, 15175914, 26298565). It has also been observed to segregate with disease in related individuals. ClinVar contains an entry for this variant (Variation ID: 9355). Invitae Evidence Modeling of protein sequence and biophysical properties (such as structural, functional, and spatial information, amino acid conservation, physicochemical variation, residue mobility, and thermodynamic stability) indicates that this missense variant is expected to disrupt GUCY2D protein function with a positive predictive value of 80%. Experimental studies have shown that this missense change affects GUCY2D function (PMID: 11115851). This variant disrupts the p.Arg838 amino acid residue in GUCY2D. Other variant(s) that disrupt this residue have been determined to be pathogenic (PMID: 11115851, 12552567, 26298565). This suggests that this residue is clinically significant, and that variants that disrupt this residue are likely to be disease-causing. For these reasons, this variant has been classified as Pathogenic.

3billion
Classification: Pathogenic for Cone-rod dystrophy 6. Last evaluated: 2025-12-01. Review status: criteria provided, single submitter. Criteria: ACMG Guidelines, 2015. Collection method: clinical testing. Allele origin: germline. Affected: yes.
Comment: The variant is observed at an extremely low frequency in the gnomAD v4.1.0 dataset (total allele frequency: <0.001%). Predicted Consequence/Location: Missense variant Functional studies provide moderate evidence of the variant having a damaging effect on the gene or gene product (PMID: 11115851). In silico tool predictions suggest damaging effect of the variant on gene or gene product [REVEL: 0.80 (>=0.6, sensitivity 0.68 and specificity 0.92); 3Cnet: 0.29 (> 0.75, sensitivity 0.96 and precision 0.92)]. The same nucleotide change resulting in the same amino acid change has been previously reported as pathogenic/likely pathogenic with strong evidence (ClinVar ID: VCV000009355 /PMID: 9618177 /3billion dataset). The variant has been observed in multiple (>3) similarly affected unrelated individuals (PMID: 15175914, 26298565, 9618177). The variant has been reported to co-segregate with the disease in at least 7 similarly affected relatives/individuals in at least two unrelated families (PMID: 26298565, 9618177). Different missense changes at the same codon (p.Arg838Gly, p.Arg838His, p.Arg838Pro, p.Arg838Ser) have been reported as pathogenic/likely pathogenic with strong evidence (ClinVar ID: VCV000009357, VCV000098568, VCV000811743, VCV001685873 /PMID: 11565546, 18487367 /3billion dataset). Therefore, this variant is classified as Pathogenic according to the recommendation of ACMG/AMP guideline.

Dasa
Classification: Pathogenic. Last evaluated: 2025-10-25. Review status: criteria provided, single submitter. Criteria: DASA Assertion Criteria. Collection method: clinical testing. Allele origin: germline.
Comment: NM_000180.4(GUCY2D):c.2512C>T (p.Arg838Cys) is a missense variant that results in the substitution of arginine with cysteine. The affected residue or protein region has prior evidence supporting clinical relevance. Segregation evidence has been reported in affected families. Functional evidence supports a deleterious effect on the gene or gene product (PMID: 11115851). This variant has been reported in individuals with related phenotype (PMID: 11115851). Multiple computational predictions support a deleterious effect on the gene or gene product. The variant is present at low frequency in population datasets. Based on the available data, this variant is classified as pathogenic.

SingHealth Duke-NUS Institute of Precision Medicine
Classification: Pathogenic for Cone-rod dystrophy 6. Last evaluated: 2025-02-05. Review status: criteria provided, single submitter. Criteria: PRISM ACMG Classification Criteria. Collection method: clinical testing. Allele origin: germline. Affected: yes.
Comment: Functional assays showed that the variant had moderate level of impact on gene/protein function (PMID: 11115851, PS3). REVEL score is 0.779 (PP3_mod). Other missense variants on this amino acid residue are classified as pathogenic (PM5). gnomAD genomes homozygous allele count is less than 2 for AD/AR gene GUCY2D (PM2). Located in a mutational hotspot where >50% of variants are pathogenic (PM1). Internal data shows cosegregation with disease (PP1)

Institute of Human Genetics Munich, TUM University Hospital
Classification: Pathogenic for Cone-rod dystrophy 6. Last evaluated: 2024-09-23. Review status: criteria provided, single submitter. Criteria: Classification criteria August 2017. Collection method: clinical testing. Allele origin: germline. Inheritance: Autosomal dominant inheritance. Affected: yes. Observed: 1 variant allele.

Division of Genetic & Genomic Pathology, Hong Kong Children's Hospital
Classification: Pathogenic for Cone-rod dystrophy 6. Last evaluated: 2024-08-25. Review status: criteria provided, single submitter. Criteria: ACMG Guidelines, 2015. Collection method: clinical testing. Allele origin: germline. Affected: yes.
Comment: GUCY2D c.2512C>T p.(Arg838Cys) is a missense variant located in exon 13, occurring within the putative dimerization domain of the protein. This variant is reported at a very low frequency in population databases (gnomAD v4.1.0: total 7 in 1,613,748 alleles; absent in East Asians). It is a known pathogenic variant causing cone or cone-rod dystrophies and has been observed to segregate with disease in multiple families (PMID: 9618177, 26298565, 15175914, ClinVar: VCV000009355.43). Alternative missense variants that disrupt the same amino acid residue have been determined to be pathogenic (PMID: 26298565, PMID: 11115851). Experimental studies have shown that this missense change affects the guanylate cyclase function (PMID: 10430891, 11115851). For these reasons, this variant is classified as pathogenic.

Blueprint Genetics
Classification: Pathogenic for GUCY2D-related disorders. Last evaluated: 2024-01-15. Review status: criteria provided, single submitter. Criteria: ACMG Guidelines, 2015. Collection method: clinical testing. Allele origin: germline. Affected: yes. Observed: 5 variant alleles.

NM_000180.4(GUCY2D):c.2512C>T (p.Arg838Cys)

Gene: GUCY2D (guanylate cyclase 2D, retinal; plus strand). Cytogenetic location: 17p13.1.
Variant type: single nucleotide variant.
Coding change: c.2512C>T on transcript NM_000180.4 (MANE Select); coding-DNA position 2512, C replaced by T.
Protein change: p.Arg838Cys; replaces arginine 838 with cysteine.
Molecular consequence: missense variant.
Genome position (GRCh38, 1-based): chr17:8,014,700, C>T. VCF-style: chr17-8014700-C-T. GRCh37 (hg19) VCF-style: chr17-7918018-C-T.
Other names: short protein forms R838C.
Identifiers: ClinVar variation 9355 (VCV000009355.73), dbSNP rs61750172, ClinGen allele CA226085.
Genomic context (GRCh38, chr17:8,014,700, plus strand): 5'-GACTCGATGCTTCGGATGCTGGAGCAGTACTCTAGTAACCTGGAGGATCTGATCCGGGAG[C>T]GCACGGAGGAGCTGGAGCTGGAAAAGCAGAAGACAGACCGGCTGCTTACACAGATGCTGC-3'
Protein context (NP_000171.1, residues 828-848): SSNLEDLIRE[Arg838Cys]TEELELEKQK